The following is an entry in ClinVar:

ClinVar aggregate classification (germline): Pathogenic. Review status: criteria provided, multiple submitters, no conflicts (2 of 4 stars). 2 submissions from 2 submitters: Pathogenic (2). Last evaluated 2025-10-14.

Conditions:
Sphingomyelin/cholesterol lipidosis. Also called: Niemann-Pick disease. Identifiers: MedGen C0028064, MONDO:0001982.
Niemann-Pick disease, type C (NPC). Identifiers: Orphanet 646, MedGen C0220756, MONDO:0018982.

Submissions (2):

Women's Health and Genetics/Laboratory Corporation of America, LabCorp
Classification: Pathogenic for Niemann-Pick disease, type C. Last evaluated: 2025-10-14. Review status: criteria provided, single submitter. Criteria: LabCorp Variant Classification Summary - May 2015. Collection method: clinical testing. Allele origin: germline.
Comment: Variant summary: NPC1 c.99_100delTG (p.Ala34IlefsX23) results in a premature termination codon, predicted to cause absence of the protein due to nonsense mediated decay, which is a commonly known mechanism for disease. The variant was absent in 251468 control chromosomes. c.99_100delTG has been reported in the literature at a compound heterozygous infant diagnosed with Niemann-Pick Disease Type C (Kingsmore_2022). To our knowledge, no experimental evidence demonstrating an impact on protein function has been reported. The following publications has been ascertained in the context of this evaluation (PMID: 36007526). ClinVar contains an entry for this variant (Variation ID: 986364). Based on the evidence outlined above, the variant was classified as pathogenic.

Rady Children's Institute for Genomic Medicine, Rady Children's Hospital San Diego
Classification: Pathogenic for NIEMANN-PICK DISEASE. Last evaluated: 2019-09-25. Review status: criteria provided, single submitter. Criteria: ACMG Guidelines, 2015. Collection method: clinical testing. Allele origin: germline. Affected: yes.
Comment: This frameshifting variant in exon 2 of 25 introduces a premature stop codon and is therefore predicted to result in loss of normal protein function. This variant has not been previously reported or functionally characterized in the literature to our knowledge. It is absent from the ExAC and gnomAD population databases and thus is presumed to be rare. Based on the available evidence, the c.99_100del (p.Ala34IlefsTer23) variant is classified as Likely Pathogenic.

Literature cited by the submitters: PubMed 36007526 (cited by Women's Health and Genetics/Laboratory Corporation of America, LabCorp).

NM_000271.5(NPC1):c.99_100del (p.Ala34fs)

Gene: NPC1 (NPC intracellular cholesterol transporter 1; minus strand). Cytogenetic location: 18q11.2.
Variant type: Deletion.
Coding change: c.99_100del on transcript NM_000271.5 (MANE Select); coding-DNA positions 99 to 100, 2 bases deleted (TG; older notation c.99_100delTG).
Protein change: p.Ala34fs; shifts the reading frame from alanine 34.
Molecular consequence: frameshift variant.
Genome position (GRCh38, 1-based): chr18:23,573,532-23,573,533, CA deleted on the plus strand (TG on the coding strand, the reverse complement: NPC1 is on the minus strand). VCF-style (leftmost placement, unchanged base first): chr18-23573531-GCA-G. GRCh37 (hg19) VCF-style: chr18-21153495-GCA-G.
Other names: c.99_100delTG (NM_000271.4); short protein forms A34fs.
Identifiers: ClinVar variation 986364 (VCV000986364.3), dbSNP rs2059233076, ClinGen allele CA1139665970.